The following is an entry in ClinVar:

NM_002474.3(MYH11):c.4116+11del

Genes: MYH11 (myosin heavy chain 11; minus strand), NDE1 (nudE neurodevelopment protein 1; plus strand). Cytogenetic location: 16p13.11.
Variant type: Deletion.
Coding change: c.4116+11del on transcript NM_002474.3 (MANE Select); 11 bases into the intron after coding-DNA position 4116, one base deleted (C; older notation c.4116+11delC).
Molecular consequence: intron variant. On other transcripts: 3 prime UTR variant (2).
Genome position (GRCh38, 1-based): chr16:15,724,636, G deleted on the plus strand (C on the coding strand, the reverse complement: MYH11 is on the minus strand); the first of 4 consecutive G bases (chr16:15,724,636-15,724,639); deleting any one gives the same sequence. VCF-style (leftmost placement, unchanged base first): chr16-15724635-CG-C. GRCh37 (hg19) VCF-style: chr16-15818492-CG-C.
Other names: c.4116+11delC (NM_002474.2); c.*388del (NM_001143979.2, NM_017668.3); c.4116+11del (NM_022844.3); c.4137+11del (NM_001040114.2, NM_001040113.2); c.4137+11delC (NM_001040113.1).
Identifiers: ClinVar variation 201034 (VCV000201034.65), dbSNP rs543763112, ClinGen allele CA306461.

ClinVar aggregate classification (germline): Conflicting classifications of pathogenicity. Review status: criteria provided, conflicting classifications (1 of 4 stars). 12 submissions from 12 submitters: Uncertain significance (1); Benign (6); Likely benign (3). 2 of the submissions do not count toward it. Last evaluated 2026-01-28.

Conditions:
Familial thoracic aortic aneurysm and aortic dissection (TAAD). Also called: Thoracic aortic aneurysms and dissections. Identifiers: Orphanet 91387, MedGen C4707243, MONDO:0019625.
Lissencephaly 4 (LIS4). Also called: Lissencephaly 4 (with microcephaly). Identifiers: Orphanet 1083, MedGen C3151461, MONDO:0013527, OMIM 614019.
Aortic aneurysm, familial thoracic 4 (AAT4). Also called: AORTIC ANEURYSM/AORTIC DISSECTION AND PATENT DUCTUS ARTERIOSUS. Identifiers: MedGen C1851504, MONDO:0007568, OMIM 132900.

Submissions (12):

Labcorp Genetics (formerly Invitae), Labcorp
Classification: Benign for Aortic aneurysm, familial thoracic 4. Last evaluated: 2026-01-28. Review status: criteria provided, single submitter. Criteria: Invitae Variant Classification Sherloc (09022015). Collection method: clinical testing. Allele origin: germline.

Blueprint Genetics
Classification: Likely benign. Last evaluated: 2024-10-22. Review status: criteria provided, single submitter. Criteria: ACMG Guidelines, 2015. Collection method: clinical testing. Allele origin: germline.

Women's Health and Genetics/Laboratory Corporation of America, LabCorp
Classification: Benign. Last evaluated: 2022-12-17. Review status: criteria provided, single submitter. Criteria: LabCorp Variant Classification Summary - May 2015. Collection method: clinical testing. Allele origin: germline.

ARUP Laboratories, Molecular Genetics and Genomics, ARUP Laboratories
Classification: Benign. Last evaluated: 2021-08-26. Review status: criteria provided, single submitter. Criteria: ARUP Molecular Germline Variant Investigation Process 2021. Collection method: clinical testing. Allele origin: germline.

Centre for Mendelian Genomics, University Medical Centre Ljubljana
Classification: Uncertain significance for Lissencephaly 4. Last evaluated: 2018-10-31. Review status: criteria provided, single submitter. Criteria: ACMG Guidelines, 2015. Collection method: clinical testing. Allele origin: unknown. Affected: yes.
Comment: This variant was classified as: Uncertain significance. The available evidence favors the benign nature of this variant, however the evidence is insufficent to prove its benign nature. The following ACMG criteria were applied in classifying this variant: BP6.

CHEO Genetics Diagnostic Laboratory, Children's Hospital of Eastern Ontario
Classification: Benign for Familial thoracic aortic aneurysm and aortic dissection. Last evaluated: 2017-11-28. Review status: criteria provided, single submitter. Criteria: ACMG Guidelines, 2015. Collection method: clinical testing. Allele origin: germline.

PreventionGenetics, part of Exact Sciences
Classification: Benign. Last evaluated: 2016-03-16. Review status: criteria provided, single submitter. Criteria: ACMG Guidelines, 2015. Collection method: clinical testing. Allele origin: germline.

Ambry Genetics
Classification: Likely benign for Familial thoracic aortic aneurysm and aortic dissection. Last evaluated: 2015-09-06. Review status: criteria provided, single submitter. Criteria: Ambry Variant Classification Scheme 2023. Collection method: clinical testing. Allele origin: germline.

Clinical Genetics DNA and cytogenetics Diagnostics Lab, Erasmus MC, Erasmus Medical Center
Classification: Likely benign for Aortic aneurysm, familial thoracic 4. Last evaluated: 2015-05-27. Review status: criteria provided, single submitter. Criteria: ACGS Guidelines, 2013. Collection method: clinical testing. Allele origin: germline. Affected: yes. Study: VKGL Data-share Consensus.

GeneDx
Classification: Benign. Last evaluated: 2014-09-10. Review status: criteria provided, single submitter. Criteria: GeneDx Variant Classification (06012015). Collection method: clinical testing. Allele origin: germline. Affected: yes.
Comment: This variant is considered likely benign or benign based on one or more of the following criteria: it is a conservative change, it occurs at a poorly conserved position in the protein, it is predicted to be benign by multiple in silico algorithms, and/or has population frequency not consistent with disease.

Genome Diagnostics Laboratory, Amsterdam University Medical Center
Classification: Likely benign for Aortic aneurysm, familial thoracic 4. Last evaluated: 2014-02-04. Review status: no assertion criteria provided. Criteria: ACGS Guidelines, 2013. Collection method: clinical testing. Allele origin: germline. Affected: yes. Study: VKGL Data-share Consensus. Not counted in ClinVar's aggregate classification.

Genome Diagnostics Laboratory, University Medical Center Utrecht
Classification: Likely benign. Review status: no assertion criteria provided. Collection method: clinical testing. Allele origin: germline. Affected: yes. Study: VKGL Data-share Consensus. Not counted in ClinVar's aggregate classification.